The following is an entry in ClinVar:

ClinVar aggregate classification (germline): Uncertain significance (1 of 4 stars; one submission).

Submission:

Labcorp Genetics (formerly Invitae), Labcorp
Classification: Uncertain significance. Last evaluated: 2026-01-17. Review status: criteria provided, single submitter. Criteria: Invitae Variant Classification Sherloc (09022015). Collection method: clinical testing. Allele origin: germline.
Comment: This sequence change replaces valine, which is neutral and non-polar, with leucine, which is neutral and non-polar, at codon 282 of the CDC6 protein (p.Val282Leu). This variant is not present in population databases (gnomAD no frequency). This variant has not been reported in the literature in individuals affected with CDC6-related conditions. An algorithm developed to predict the effect of missense changes on protein structure and function (PolyPhen-2) suggests that this variant is likely to be tolerated. In summary, the available evidence is currently insufficient to determine the role of this variant in disease. Therefore, it has been classified as a Variant of Uncertain Significance.

NM_001254.4(CDC6):c.844G>T (p.Val282Leu)

Gene: CDC6 (cell division cycle 6; plus strand). Cytogenetic location: 17q21.2.
Variant type: single nucleotide variant.
Coding change: c.844G>T on transcript NM_001254.4 (MANE Select); coding-DNA position 844, G replaced by T.
Protein change: p.Val282Leu; replaces valine 282 with leucine.
Molecular consequence: missense variant.
Genome position (GRCh38, 1-based): chr17:40,293,957, G>T. VCF-style: chr17-40293957-G-T. GRCh37 (hg19) VCF-style: chr17-38450209-G-T.
Other names: short protein forms V282L.
Identifiers: ClinVar variation 4708187 (VCV004708187.1).